The following is an entry in ClinVar:

ClinVar aggregate classification (germline): Pathogenic. Review status: criteria provided, multiple submitters, no conflicts (2 of 4 stars). 3 submissions from 3 submitters: Pathogenic (3). Last evaluated 2025-06-09.

Conditions:
Cardiovascular phenotype. Identifiers: MedGen CN230736.
Hereditary hemorrhagic telangiectasia (HHT). Also called: ORW DISEASE; Osler Weber Rendu syndrome; OSLER-RENDU-WEBER DISEASE; Osler hemorrhagic telangiectasia syndrome. Identifiers: Orphanet 774, MedGen C0039445, MONDO:0019180. Disease mechanism: loss of function.
ENG-related disorder. Also called: ENG-related condition; ENG-related disorders.

Submissions (3):

Labcorp Genetics (formerly Invitae), Labcorp
Classification: Pathogenic for Hereditary hemorrhagic telangiectasia. Last evaluated: 2025-06-09. Review status: criteria provided, single submitter. Criteria: Invitae Variant Classification Sherloc (09022015). Collection method: clinical testing. Allele origin: germline.
Comment: This sequence change creates a premature translational stop signal (p.Gln562*) in the ENG gene. It is expected to result in an absent or disrupted protein product. Loss-of-function variants in ENG are known to be pathogenic (PMID: 15879500). This variant is not present in population databases (gnomAD no frequency). This premature translational stop signal has been observed in individuals with hereditary hemorrhagic telangiectasia (PMID: 15517393; internal data). ClinVar contains an entry for this variant (Variation ID: 651394). For these reasons, this variant has been classified as Pathogenic.

Blueprint Genetics
Classification: Pathogenic for ENG-related disorders. Last evaluated: 2021-12-22. Review status: criteria provided, single submitter. Criteria: ACMG Guidelines, 2015. Collection method: clinical testing. Allele origin: germline. Affected: yes. Observed: 2 variant alleles.

Ambry Genetics
Classification: Pathogenic for Cardiovascular phenotype. Last evaluated: 2018-01-31. Review status: criteria provided, single submitter. Criteria: Ambry Variant Classification Scheme 2023. Collection method: clinical testing. Allele origin: germline.
Comment: The p.Q562* pathogenic mutation (also known as c.1684C>T), located in coding exon 12 of the ENG gene, results from a C to T substitution at nucleotide position 1684. This changes the amino acid from a glutamine to a stop codon within coding exon 12. This mutation was identified in an individual with a clinical diagnosis of hereditary hemorrhagic telangiectasia (Letteboer TG et al. Hum. Genet., 2005 Jan;116:8-16). In addition to the clinical data presented in the literature, this alteration is expected to result in loss of function by premature protein truncation or nonsense-mediated mRNA decay. As such, this alteration is interpreted as a disease-causing mutation.

Literature cited by the submitters: PubMed 15879500 (cited by Labcorp Genetics (formerly Invitae), Labcorp); PubMed 15517393 (cited by Labcorp Genetics (formerly Invitae), Labcorp and Ambry Genetics).

NM_001114753.3(ENG):c.1684C>T (p.Gln562Ter)

Genes: ENG (endoglin; minus strand), LOC102723566 (uncharacterized LOC102723566; plus strand). Cytogenetic location: 9q34.11.
Variant type: single nucleotide variant.
Coding change: c.1684C>T on transcript NM_001114753.3 (MANE Select); coding-DNA position 1684, C replaced by T.
Protein change: p.Gln562Ter; replaces glutamine 562 with a stop codon.
Molecular consequence: nonsense.
Genome position (GRCh38, 1-based): chr9:127,818,122, G>A on the plus strand (C>T on the coding strand, the complement: ENG is on the minus strand). VCF-style: chr9-127818122-G-A. GRCh37 (hg19) VCF-style: chr9-130580401-G-A.
Other names: c.1684C>T, p.Gln562Ter (NM_000118.4); c.1138C>T, p.Gln380Ter (NM_001278138.2); short protein forms Q380*, Q562*.
Identifiers: ClinVar variation 651394 (VCV000651394.13), dbSNP rs1588574749, ClinGen allele CA374973985.